The following is an entry in ClinVar:

NM_001205293.3(CACNA1E):c.1180A>G (p.Met394Val)

Gene: CACNA1E (calcium voltage-gated channel subunit alpha1 E; plus strand). Cytogenetic location: 1q25.3.
Variant type: single nucleotide variant.
Coding change: c.1180A>G on transcript NM_001205293.3 (MANE Select); coding-DNA position 1180, A replaced by G.
Protein change: p.Met394Val; replaces methionine 394 with valine.
Molecular consequence: missense variant.
Genome position (GRCh38, 1-based): chr1:181,715,346, A>G. VCF-style: chr1-181715346-A-G. GRCh37 (hg19) VCF-style: chr1-181684482-A-G.
Other names: c.1180A>G, p.Met394Val (NM_000721.4, NM_001205294.2); short protein forms M394V.
Identifiers: ClinVar variation 3633661 (VCV003633661.2).

ClinVar aggregate classification (germline): Uncertain significance (1 of 4 stars; one submission).

Submission:

Labcorp Genetics (formerly Invitae), Labcorp
Classification: Uncertain significance. Last evaluated: 2024-07-30. Review status: criteria provided, single submitter. Criteria: Invitae Variant Classification Sherloc (09022015). Collection method: clinical testing. Allele origin: germline.
Comment: This sequence change replaces methionine, which is neutral and non-polar, with valine, which is neutral and non-polar, at codon 394 of the CACNA1E protein (p.Met394Val). This variant is not present in population databases (gnomAD no frequency). This variant has not been reported in the literature in individuals affected with CACNA1E-related conditions. Advanced modeling of protein sequence and biophysical properties (such as structural, functional, and spatial information, amino acid conservation, physicochemical variation, residue mobility, and thermodynamic stability) has been performed at Invitae for this missense variant, however the output from this modeling did not meet the statistical confidence thresholds required to predict the impact of this variant on CACNA1E protein function. In summary, the available evidence is currently insufficient to determine the role of this variant in disease. Therefore, it has been classified as a Variant of Uncertain Significance.